The following is an entry in ClinVar:

ClinVar aggregate classification (germline): Uncertain significance (1 of 4 stars; one submission).

gnomAD v4.1: 2 of 1,613,508 alleles (0.00012%); highest among the groups gnomAD compares: East Asian, 0.0045%; no homozygotes.

Submission:

Ambry Genetics
Classification: Uncertain significance. Last evaluated: 2023-01-22. Review status: criteria provided, single submitter. Criteria: Ambry Variant Classification Scheme 2023. Collection method: clinical testing. Allele origin: germline.
Comment: The p.D524G variant (also known as c.1571A>G), located in coding exon 10 of the MYOM1 gene, results from an A to G substitution at nucleotide position 1571. The aspartic acid at codon 524 is replaced by glycine, an amino acid with similar properties. This amino acid position is conserved. In addition, this alteration is predicted to be deleterious by in silico analysis. Since supporting evidence is limited at this time, the clinical significance of this alteration remains unclear.

NM_003803.4(MYOM1):c.1571A>G (p.Asp524Gly)

Gene: MYOM1 (myomesin 1; minus strand). Cytogenetic location: 18p11.31.
Variant type: single nucleotide variant.
Coding change: c.1571A>G on transcript NM_003803.4 (MANE Select); coding-DNA position 1571, A replaced by G.
Protein change: p.Asp524Gly; replaces aspartic acid 524 with glycine.
Molecular consequence: missense variant.
Genome position (GRCh38, 1-based): chr18:3,155,019, T>C on the plus strand (A>G on the coding strand, the complement: MYOM1 is on the minus strand). VCF-style: chr18-3155019-T-C. GRCh37 (hg19) VCF-style: chr18-3155017-T-C.
Other names: c.1571A>G, p.Asp524Gly (NM_019856.2); short protein forms D524G.
Identifiers: ClinVar variation 2447676 (VCV002447676.2), dbSNP rs924081617, ClinGen allele CA401714578.